The following is an entry in ClinVar:

NM_001972.4(ELANE):c.796A>G (p.Thr266Ala)

Gene: ELANE (elastase, neutrophil expressed; plus strand). Cytogenetic location: 19p13.3.
Variant type: single nucleotide variant.
Coding change: c.796A>G on transcript NM_001972.4 (MANE Select); coding-DNA position 796, A replaced by G.
Protein change: p.Thr266Ala; replaces threonine 266 with alanine.
Molecular consequence: missense variant.
Genome position (GRCh38, 1-based): chr19:856,156, A>G. VCF-style: chr19-856156-A-G. GRCh37 (hg19) VCF-style: chr19-856156-A-G.
Other names: short protein forms T266A.
Identifiers: ClinVar variation 4618429 (VCV004618429.1).

ClinVar aggregate classification (germline): Uncertain significance (1 of 4 stars; one submission).

Conditions:
Inborn genetic diseases. Identifiers: MedGen C0950123, MeSH D030342.

Submission:

Ambry Genetics
Classification: Uncertain significance for Inborn genetic diseases. Last evaluated: 2025-12-13. Review status: criteria provided, single submitter. Criteria: Ambry Variant Classification Scheme 2023. Collection method: clinical testing. Allele origin: germline.
Comment: The p.T266A variant (also known as c.796A>G), located in coding exon 5 of the ELANE gene, results from an A to G substitution at nucleotide position 796. The threonine at codon 266 is replaced by alanine, an amino acid with similar properties. This amino acid position is conserved. In addition, the in silico prediction for this alteration is inconclusive. Based on the available evidence, the clinical significance of this variant remains unclear.